The following is an entry in ClinVar:

NM_001190274.2(FBXO11):c.162G>T (p.Gln54His)

Genes: FBXO11 (F-box protein 11; minus strand), LOC100506235 (uncharacterized LOC100506235; plus strand). Cytogenetic location: 2p16.3.
Variant type: single nucleotide variant.
Coding change: c.162G>T on transcript NM_001190274.2 (MANE Select); coding-DNA position 162, G replaced by T.
Protein change: p.Gln54His; replaces glutamine 54 with histidine.
Molecular consequence: missense variant.
Genome position (GRCh38, 1-based): chr2:47,905,559, C>A on the plus strand (G>T on the coding strand, the complement: FBXO11 is on the minus strand). VCF-style: chr2-47905559-C-A. GRCh37 (hg19) VCF-style: chr2-48132698-C-A.
Other names: short protein forms Q54H.
Identifiers: ClinVar variation 1483659 (VCV001483659.8), dbSNP rs952069055, ClinGen allele CA47236584.

ClinVar aggregate classification (germline): Uncertain significance (1 of 4 stars; one submission).

Allele frequency attached by ClinVar (database versions not stated): TOPMed below 0.00001; gnomAD 0.00001.
gnomAD v4.1: 2 of 1,251,726 alleles (0.00016%); highest among the groups gnomAD compares: African/African-American, 0.0016%; no homozygotes.

Submission:

Labcorp Genetics (formerly Invitae), Labcorp
Classification: Uncertain significance. Last evaluated: 2025-01-29. Review status: criteria provided, single submitter. Criteria: Invitae Variant Classification Sherloc (09022015). Collection method: clinical testing. Allele origin: germline.
Comment: This sequence change replaces glutamine, which is neutral and polar, with histidine, which is basic and polar, at codon 54 of the FBXO11 protein (p.Gln54His). This variant is not present in population databases (gnomAD no frequency). This variant has not been reported in the literature in individuals affected with FBXO11-related conditions. ClinVar contains an entry for this variant (Variation ID: 1483659). Experimental studies and prediction algorithms are not available or were not evaluated, and the functional significance of this variant is currently unknown. In summary, the available evidence is currently insufficient to determine the role of this variant in disease. Therefore, it has been classified as a Variant of Uncertain Significance.